The following is an entry in ClinVar:

NM_001267550.2(TTN):c.1584C>T (p.Ser528=)

Gene: TTN (titin; minus strand). Cytogenetic location: 2q31.2.
Variant type: single nucleotide variant.
Coding change: c.1584C>T on transcript NM_001267550.2 (MANE Select); coding-DNA position 1584, C replaced by T.
Protein change: p.Ser528=; no amino-acid change (serine 528 retained).
Molecular consequence: synonymous variant.
Genome position (GRCh38, 1-based): chr2:178,792,150, G>A on the plus strand (C>T on the coding strand, the complement: TTN is on the minus strand). VCF-style: chr2-178792150-G-A. GRCh37 (hg19) VCF-style: chr2-179656877-G-A.
Other names: c.1584C>T, p.Ser528= (NM_003319.4, NM_133378.4, NM_133379.5 and 3 more transcripts).
Identifiers: ClinVar variation 515082 (VCV000515082.13), dbSNP rs267599093, ClinGen allele CA2006008.

ClinVar aggregate classification (germline): Conflicting classifications of pathogenicity. Review status: criteria provided, conflicting classifications (1 of 4 stars). 5 submissions from 5 submitters: Uncertain significance (1); Likely benign (4). Last evaluated 2025-11-17.

Conditions:
Cardiovascular phenotype. Identifiers: MedGen CN230736.
TTN-related disorder. Also called: TTN-related condition; TTN-related disease; TTN-related disorders.
Autosomal recessive limb-girdle muscular dystrophy type 2J (LGMDR10). Also called: Limb-girdle muscular dystrophy, type 2J; MUSCULAR DYSTROPHY, LIMB-GIRDLE, AUTOSOMAL RECESSIVE 10. Identifiers: Orphanet 140922, MedGen C1837342, MONDO:0012127, OMIM 608807.
Dilated cardiomyopathy 1G (CMD1G). Identifiers: Orphanet 154, MedGen C1858763, MONDO:0011400, OMIM 604145.

Allele frequency attached by ClinVar (database versions not stated): gnomAD 0.00001; gnomAD exomes 0.00001; ExAC 0.00002; TOPMed 0.00002.
gnomAD v4.1: 25 of 1,611,526 alleles (0.0016%); highest among the groups gnomAD compares: Non-Finnish European, 0.0017%; no homozygotes.

Submissions (5):

PreventionGenetics, part of Exact Sciences
Classification: Likely benign for TTN-related condition. Last evaluated: 2025-11-17. Review status: criteria provided, single submitter. Criteria: ACMG Guidelines, 2015. Collection method: clinical testing. Allele origin: germline.
Comment: This variant is classified as likely benign based on ACMG/AMP sequence variant interpretation guidelines (Richards et al. 2015 PMID: 25741868, with internal and published modifications).

Revvity Omics, Revvity
Classification: Uncertain significance. Last evaluated: 2025-06-16. Review status: criteria provided, single submitter. Criteria: ACMG Guidelines, 2015. Collection method: clinical testing. Allele origin: germline.

Labcorp Genetics (formerly Invitae), Labcorp
Classification: Likely benign for Dilated cardiomyopathy 1G; Autosomal recessive limb-girdle muscular dystrophy type 2J. Last evaluated: 2025-05-08. Review status: criteria provided, single submitter. Criteria: Invitae Variant Classification Sherloc (09022015). Collection method: clinical testing. Allele origin: germline.

Ambry Genetics
Classification: Likely benign for Cardiovascular phenotype. Last evaluated: 2024-05-19. Review status: criteria provided, single submitter. Criteria: Ambry Variant Classification Scheme 2023. Collection method: clinical testing. Allele origin: germline.

GeneDx
Classification: Likely benign. Last evaluated: 2018-01-24. Review status: criteria provided, single submitter. Criteria: GeneDx Variant Classification (06012015). Collection method: clinical testing. Allele origin: germline. Affected: yes.
Comment: This variant is considered likely benign or benign based on one or more of the following criteria: it is a conservative change, it occurs at a poorly conserved position in the protein, it is predicted to be benign by multiple in silico algorithms, and/or has population frequency not consistent with disease.